The following is an entry in ClinVar:

ClinVar aggregate classification (germline): Uncertain significance. Review status: criteria provided, multiple submitters, no conflicts (2 of 4 stars). 2 submissions from 2 submitters: Uncertain significance (2). Last evaluated 2022-01-05.

Conditions:
Dilated cardiomyopathy 1G (CMD1G). Identifiers: Orphanet 154, MedGen C1858763, MONDO:0011400, OMIM 604145.
Autosomal recessive limb-girdle muscular dystrophy type 2J (LGMDR10). Also called: MUSCULAR DYSTROPHY, LIMB-GIRDLE, AUTOSOMAL RECESSIVE 10; Limb-girdle muscular dystrophy, type 2J. Identifiers: Orphanet 140922, MedGen C1837342, MONDO:0012127, OMIM 608807.

Submissions (2):

Labcorp Genetics (formerly Invitae), Labcorp
Classification: Uncertain significance for Dilated cardiomyopathy 1G; Autosomal recessive limb-girdle muscular dystrophy type 2J. Last evaluated: 2022-01-05. Review status: criteria provided, single submitter. Criteria: Invitae Variant Classification Sherloc (09022015). Collection method: clinical testing. Allele origin: germline.
Comment: In summary, the available evidence is currently insufficient to determine the role of this variant in disease. Therefore, it has been classified as a Variant of Uncertain Significance. This variant is located in the I band of TTN (PMID: 25589632). Variants in this region may be clinically relevant, but have not been definitively shown to cause cardiomyopathy or neuromuscular disease (PMID: 27493940, 32778822). Algorithms developed to predict the effect of sequence changes on RNA splicing suggest that this variant may create or strengthen a splice site. Experimental studies and prediction algorithms are not available or were not evaluated, and the functional significance of this variant is currently unknown. ClinVar contains an entry for this variant (Variation ID: 466998). This variant has not been reported in the literature in individuals affected with TTN-related conditions. This variant is not present in population databases (gnomAD no frequency). This sequence change replaces tyrosine, which is neutral and polar, with cysteine, which is neutral and slightly polar, at codon 10300 of the TTN protein (p.Tyr10300Cys).

Stanford Center for Inherited Cardiovascular Disease, Stanford University
Classification: Uncertain significance. Last evaluated: 2017-06-06. Review status: criteria provided, single submitter. Criteria: ACMG Guidelines, 2015. Collection method: provider interpretation. Allele origin: germline.

Literature cited by the submitters: PubMed 25589632 (cited by Labcorp Genetics (formerly Invitae), Labcorp); PubMed 27493940 (cited by Labcorp Genetics (formerly Invitae), Labcorp); PubMed 32778822 (cited by Labcorp Genetics (formerly Invitae), Labcorp).

NM_001267550.2(TTN):c.30899A>G (p.Tyr10300Cys)

Gene: TTN (titin; minus strand). Cytogenetic location: 2q31.2.
Variant type: single nucleotide variant.
Coding change: c.30899A>G on transcript NM_001267550.2 (MANE Select); coding-DNA position 30899, A replaced by G.
Protein change: p.Tyr10300Cys; replaces tyrosine 10300 with cysteine.
Molecular consequence: missense variant. On other transcripts: intron variant (3).
Genome position (GRCh38, 1-based): chr2:178,696,173, T>C on the plus strand (A>G on the coding strand, the complement: TTN is on the minus strand). VCF-style: chr2-178696173-T-C. GRCh37 (hg19) VCF-style: chr2-179560900-T-C.
Other names: c.29948A>G, p.Tyr9983Cys (NM_001256850.1); c.27167A>G, p.Tyr9056Cys (NM_133378.4); c.13282+41909A>G (NM_003319.4); c.13858+41909A>G (NM_133437.4); c.13657+41909A>G (NM_133432.3); short protein forms Y10300C, Y9983C, Y9056C.
Identifiers: ClinVar variation 466998 (VCV000466998.11), dbSNP rs1553864504, ClinGen allele CA349566278.
Genomic context (GRCh38, chr2:178,696,173, plus strand): 5'-GGTTCTTCGAAAGATTCAATGAAGACTCTCTTCTCCTTGTGGACTGCTTGCTTTTTCTCA[T>C]ACACAGCTTCTTTTTCTTTCTGAACCTCTTTCTTTCTGGTTATAGTCATTATTTTTACTT-3'
Protein context (NP_001254479.2, residues 10290-10310): KEVQKEKEAV[Tyr10300Cys]EKKQAVHKEK